The following is an entry in ClinVar:

ClinVar aggregate classification (germline): Uncertain significance (1 of 4 stars; one submission).

Conditions:
Shprintzen-Goldberg syndrome (SGS). Also called: Marfanoid disorder with craniosynostosis type 1; Marfanoid craniosynostosis syndrome; Shprintzen-Goldberg marfanoid syndrome; SHPRINTZEN-GOLDBERG CRANIOSYNOSTOSIS SYNDROME; CRANIOSYNOSTOSIS WITH ARACHNODACTYLY AND ABDOMINAL HERNIAS. Identifiers: Orphanet 2462, MedGen C1321551, MONDO:0008426, OMIM 182212.

Allele frequency attached by ClinVar (database versions not stated): gnomAD exomes 0.00001.
gnomAD v4.1: 2 of 1,611,482 alleles (0.00012%); highest among the groups gnomAD compares: Admixed American, 0.0033%; no homozygotes.

Submission:

Labcorp Genetics (formerly Invitae), Labcorp
Classification: Uncertain significance for Shprintzen-Goldberg syndrome. Last evaluated: 2021-07-13. Review status: criteria provided, single submitter. Criteria: Invitae Variant Classification Sherloc (09022015). Collection method: clinical testing. Allele origin: germline.
Comment: This sequence change replaces lysine with asparagine at codon 265 of the SKI protein (p.Lys265Asn). The lysine residue is moderately conserved and there is a moderate physicochemical difference between lysine and asparagine. This variant is not present in population databases (ExAC no frequency). This variant has not been reported in the literature in individuals affected with SKI-related conditions. Algorithms developed to predict the effect of missense changes on protein structure and function are either unavailable or do not agree on the potential impact of this missense change (SIFT: "Deleterious"; PolyPhen-2: "Probably Damaging"; Align-GVGD: "Class C0"). In summary, the available evidence is currently insufficient to determine the role of this variant in disease. Therefore, it has been classified as a Variant of Uncertain Significance.

NM_003036.4(SKI):c.795G>C (p.Lys265Asn)

Gene: SKI (SKI proto-oncogene; plus strand). Cytogenetic location: 1p36.33.
Variant type: single nucleotide variant.
Coding change: c.795G>C on transcript NM_003036.4 (MANE Select); coding-DNA position 795, G replaced by C.
Protein change: p.Lys265Asn; replaces lysine 265 with asparagine.
Molecular consequence: missense variant.
Genome position (GRCh38, 1-based): chr1:2,229,561, G>C. VCF-style: chr1-2229561-G-C. GRCh37 (hg19) VCF-style: chr1-2161000-G-C.
Other names: short protein forms K265N.
Identifiers: ClinVar variation 1464724 (VCV001464724.8), dbSNP rs1457407953, ClinGen allele CA337955517.